The following is an entry in ClinVar:

NM_001142800.2(EYS):c.1308C>A (p.Cys436Ter)

Gene: EYS (EGF-like photoreceptor maintenance factor; minus strand). Cytogenetic location: 6q12.
Variant type: single nucleotide variant.
Coding change: c.1308C>A on transcript NM_001142800.2 (MANE Select); coding-DNA position 1308, C replaced by A.
Protein change: p.Cys436Ter; replaces cysteine 436 with a stop codon.
Molecular consequence: nonsense.
Genome position (GRCh38, 1-based): chr6:65,353,609, G>T on the plus strand (C>A on the coding strand, the complement: EYS is on the minus strand). VCF-style: chr6-65353609-G-T. GRCh37 (hg19) VCF-style: chr6-66063502-G-T.
Other names: c.1308C>A, p.Cys436Ter (NM_001142801.2, NM_001292009.2, NM_198283.2); short protein forms C436*.
Identifiers: ClinVar variation 619215 (VCV000619215.24), dbSNP rs1471994744, ClinGen allele CA364661939.

ClinVar aggregate classification (germline): Pathogenic. Review status: criteria provided, multiple submitters, no conflicts (2 of 4 stars). 8 submissions from 8 submitters: Pathogenic (6). 2 of the submissions do not count toward it. Last evaluated 2026-01-19.

Conditions:
EYS-related disorder. Also called: EYS-related condition.
Retinitis pigmentosa 25 (RP25). Identifiers: Orphanet 791, MedGen C1864446, MONDO:0011272, OMIM 602772.
Retinitis pigmentosa (RP). Identifiers: Orphanet 791, MedGen C0035334, MeSH D012174, MONDO:0019200, OMIM 268000. Inheritance: Autosomal dominant, autosomal recessive and X linked inheritance.

Allele frequency attached by ClinVar (database versions not stated): gnomAD exomes below 0.00001; gnomAD 0.00001; TOPMed 0.00001.
gnomAD v4.1: 3 of 1,611,852 alleles (0.00019%); highest among the groups gnomAD compares: Middle Eastern, 0.016%; no homozygotes.

Submissions (8):

Labcorp Genetics (formerly Invitae), Labcorp
Classification: Pathogenic. Last evaluated: 2026-01-19. Review status: criteria provided, single submitter. Criteria: Invitae Variant Classification Sherloc (09022015). Collection method: clinical testing. Allele origin: germline.
Comment: This sequence change creates a premature translational stop signal (p.Cys436*) in the EYS gene. It is expected to result in an absent or disrupted protein product. Loss-of-function variants in EYS are known to be pathogenic (PMID: 18836446, 20333770). This variant is present in population databases (no rsID available, gnomAD 0.0009%). This premature translational stop signal has been observed in individual(s) with autosomal recessive retinitis pigmentosa (PMID: 29550188). ClinVar contains an entry for this variant (Variation ID: 619215). For these reasons, this variant has been classified as Pathogenic.

Women's Health and Genetics/Laboratory Corporation of America, LabCorp
Classification: Pathogenic for Retinitis pigmentosa. Last evaluated: 2025-04-29. Review status: criteria provided, single submitter. Criteria: LabCorp Variant Classification Summary - May 2015. Collection method: clinical testing. Allele origin: germline.
Comment: Variant summary: EYS c.1308C>A (p.Cys436X) results in a premature termination codon, predicted to cause a truncation of the encoded protein or absence of the protein due to nonsense mediated decay, which are commonly known mechanisms for disease. The variant was absent in 282072 control chromosomes. c.1308C>A has been observed in individual(s) affected with Retinitis Pigmentosa (e.g. Sengillo_2018). The following publication has been ascertained in the context of this evaluation (PMID: 29550188). ClinVar contains an entry for this variant (Variation ID: 619215). Based on the evidence outlined above, the variant was classified as pathogenic.

Natera, Inc.
Classification: Pathogenic for Retinitis pigmentosa type 25. Last evaluated: 2025-02-04. Review status: criteria provided, single submitter. Criteria: Natera Variant Classification Schema (03/2026). Collection method: clinical testing. Allele origin: germline.
Comment: The c.1308C>A variant in EYS is a nonsense variant predicted to introduce a stop codon at amino acid 436. This variant is expected to result in nonsense mediated decay, truncation, or a dysfunctional protein product. This variant is rare in the general population with a frequency below the threshold expected for the associated phenotype(s). This variant has been observed in one or more individuals affected with the associated recessive disease, as either homozygous or compound heterozygous with a second variant (PMID: 37798099, 39062705, 29550188). Given the available evidence, this variant is classified as Pathogenic.

Fulgent Genetics
Classification: Pathogenic for Retinitis pigmentosa 25. Last evaluated: 2024-05-09. Review status: criteria provided, single submitter. Criteria: ACMG Guidelines, 2015. Collection method: clinical testing. Allele origin: germline.

Ocular Genomics Institute, Massachusetts Eye and Ear
Classification: Pathogenic for Retinitis pigmentosa 25. Last evaluated: 2021-04-08. Review status: criteria provided, single submitter. Criteria: ACMG Guidelines, 2015. Collection method: research. Allele origin: germline. Affected: yes.
Comment: Through a review of available evidence we were able to apply the following criteria: PVS1, PM2, PS1. Based on this evidence we have classified this variant as Pathogenic.

Blueprint Genetics
Classification: Pathogenic for EYS-related disorders. Last evaluated: 2021-03-24. Review status: criteria provided, single submitter. Criteria: ACMG Guidelines, 2015. Collection method: clinical testing. Allele origin: germline. Affected: yes. Observed: 4 variant alleles.

Sharon lab, Hadassah-Hebrew University Medical Center
Classification: Pathogenic for Retinitis pigmentosa. Last evaluated: 2019-06-23. Review status: no assertion criteria provided. Collection method: research. Allele origin: inherited. Affected: yes. Not counted in ClinVar's aggregate classification.

Sema4
Classification: Likely pathogenic for Retinitis pigmentosa 25. Last evaluated: 2018-10-25. Review status: no assertion criteria provided. Collection method: clinical testing. Allele origin: unknown. Not counted in ClinVar's aggregate classification.

Literature cited by the submitters: PubMed 18836446 (cited by Labcorp Genetics (formerly Invitae), Labcorp); PubMed 20333770 (cited by Labcorp Genetics (formerly Invitae), Labcorp); PubMed 29550188 (cited by 4 submitters); PubMed 37798099 (cited by Natera, Inc.); PubMed 39062705 (cited by Natera, Inc.).